The following is an entry in ClinVar:

NM_001042492.3(NF1):c.7830T>G (p.Leu2610=)

Gene: NF1 (neurofibromin 1; plus strand). Cytogenetic location: 17q11.2.
Variant type: single nucleotide variant.
Coding change: c.7830T>G on transcript NM_001042492.3 (MANE Select); coding-DNA position 7830, T replaced by G.
Protein change: p.Leu2610=; no amino-acid change (leucine 2610 retained).
Molecular consequence: synonymous variant.
Genome position (GRCh38, 1-based): chr17:31,357,051, T>G. VCF-style: chr17-31357051-T-G. GRCh37 (hg19) VCF-style: chr17-29684069-T-G.
Other names: c.7767T>G, p.Leu2589= (NM_000267.4).
Identifiers: ClinVar variation 481969 (VCV000481969.12), dbSNP rs1555536705, ClinGen allele CA499239464.
Genomic context (GRCh38, chr17:31,357,051, plus strand): 5'-CCCACATTTACGTAAAGTTTCAGTGTCTGAATCAAATGTTCTCTTGGATGAAGAAGTACT[T>G]ACTGATCCGAAGATCCAGGCGCTGCTTCTTACTGTTCTAGTAAGGATTTCCCCTTTTTGA-3'
Protein context (NP_001035957.1, residues 2600-2620): ESNVLLDEEV[Leu2610=]TDPKIQALLL

ClinVar aggregate classification (germline): Benign/Likely benign. Review status: criteria provided, multiple submitters, no conflicts (2 of 4 stars). 4 submissions from 4 submitters: Benign (1); Likely benign (3). Last evaluated 2026-05-22.

Conditions:
Hereditary cancer-predisposing syndrome. Also called: Hereditary neoplastic syndrome; Neoplastic Syndromes, Hereditary; Hereditary Cancer Syndrome; Tumor predisposition. Identifiers: Orphanet 140162, MedGen C0027672, MeSH D009386, MONDO:0015356.
Cardiovascular phenotype. Identifiers: MedGen CN230736.
Neurofibromatosis, type 1 (NF1). Also called: Peripheral type neurofibromatosis; Neurofibromatosis, type I; VON RECKLINGHAUSEN DISEASE; NEUROFIBROMATOSIS, TYPE I, SOMATIC. Identifiers: Orphanet 636, MedGen C0027831, MONDO:0018975, OMIM 162200. Disease mechanism: loss of function.

gnomAD v4.1: 1 of 1,613,920 alleles (0.000062%); no homozygotes.

Submissions (4):

Myriad Genetics, Inc.
Classification: Benign for Neurofibromatosis, type 1. Last evaluated: 2026-05-22. Review status: criteria provided, single submitter. Criteria: Myriad Autosomal Dominant, Autosomal Recessive and X-Linked Classification Criteria (2023). Collection method: clinical testing. Allele origin: unknown.
Comment: This variant is considered benign. This variant is a silent/synonymous amino acid change and it is not expected to impact splicing.

Labcorp Genetics (formerly Invitae), Labcorp
Classification: Likely benign for Neurofibromatosis, type 1. Last evaluated: 2023-01-26. Review status: criteria provided, single submitter. Criteria: Invitae Variant Classification Sherloc (09022015). Collection method: clinical testing. Allele origin: germline.

Women's Health and Genetics/Laboratory Corporation of America, LabCorp
Classification: Likely benign. Last evaluated: 2021-02-11. Review status: criteria provided, single submitter. Criteria: LabCorp Variant Classification Summary - May 2015. Collection method: clinical testing. Allele origin: germline.

Ambry Genetics
Classification: Likely benign for Cardiovascular phenotype; Hereditary cancer-predisposing syndrome. Last evaluated: 2016-12-23. Review status: criteria provided, single submitter. Criteria: Ambry Variant Classification Scheme 2023. Collection method: clinical testing. Allele origin: germline.